The following is an entry in ClinVar:

NM_001105206.3(LAMA4):c.3111-18G>A

Gene: LAMA4 (laminin subunit alpha 4; minus strand). Cytogenetic location: 6q21.
Variant type: single nucleotide variant.
Coding change: c.3111-18G>A on transcript NM_001105206.3 (MANE Select); 18 bases into the intron before coding-DNA position 3111, G replaced by A.
Molecular consequence: intron variant.
Genome position (GRCh38, 1-based): chr6:112,139,309, C>T on the plus strand (G>A on the coding strand, the complement: LAMA4 is on the minus strand). VCF-style: chr6-112139309-C-T. GRCh37 (hg19) VCF-style: chr6-112460511-C-T.
Other names: c.3090-18G>A (NM_002290.5, NM_001105207.3, LRG_433t2).
Identifiers: ClinVar variation 380337 (VCV000380337.13), dbSNP rs80168443, ClinGen allele CA3965305.

ClinVar aggregate classification (germline): Benign/Likely benign. Review status: criteria provided, multiple submitters, no conflicts (2 of 4 stars). 5 submissions from 5 submitters: Benign (1); Likely benign (2). 2 of the submissions do not count toward it. Last evaluated 2026-02-03.

Conditions:
Dilated cardiomyopathy 1JJ (CMD1JJ). Identifiers: Orphanet 154, MedGen C3808935, MONDO:0014095, OMIM 615235.

Allele frequency attached by ClinVar (database versions not stated): ESP Exome Variant Server 0.00062; TOPMed 0.00066; 1000 Genomes Project 30x 0.00156; 1000 Genomes Project 0.00160.
gnomAD v4.1: 766 of 1,613,830 alleles (0.047%); highest among the groups gnomAD compares: East Asian, 0.5%; no homozygotes.

Submissions (5):

Labcorp Genetics (formerly Invitae), Labcorp
Classification: Benign for Dilated cardiomyopathy 1JJ. Last evaluated: 2026-02-03. Review status: criteria provided, single submitter. Criteria: Invitae Variant Classification Sherloc (09022015). Collection method: clinical testing. Allele origin: germline.

Blueprint Genetics
Classification: Likely benign. Last evaluated: 2024-10-08. Review status: criteria provided, single submitter. Criteria: ACMG Guidelines, 2015. Collection method: clinical testing. Allele origin: germline.

GeneDx
Classification: Likely benign. Last evaluated: 2018-03-07. Review status: criteria provided, single submitter. Criteria: GeneDx Variant Classification (06012015). Collection method: clinical testing. Allele origin: germline. Affected: yes.
Comment: This variant is considered likely benign or benign based on one or more of the following criteria: it is a conservative change, it occurs at a poorly conserved position in the protein, it is predicted to be benign by multiple in silico algorithms, and/or has population frequency not consistent with disease.

Clinical Genetics DNA and cytogenetics Diagnostics Lab, Erasmus MC, Erasmus Medical Center
Classification: Likely benign. Review status: no assertion criteria provided. Collection method: clinical testing. Allele origin: germline. Affected: yes. Study: VKGL Data-share Consensus. Not counted in ClinVar's aggregate classification.

Clinical Genetics, Academic Medical Center
Classification: Benign. Review status: no assertion criteria provided. Collection method: clinical testing. Allele origin: germline. Affected: yes. Study: VKGL Data-share Consensus. Not counted in ClinVar's aggregate classification.